The following is an entry in ClinVar:

NM_018238.4(AGK):c.186G>T (p.Lys62Asn)

Gene: AGK (acylglycerol kinase; plus strand). Cytogenetic location: 7q34.
Variant type: single nucleotide variant.
Coding change: c.186G>T on transcript NM_018238.4 (MANE Select); coding-DNA position 186, G replaced by T.
Protein change: p.Lys62Asn; replaces lysine 62 with asparagine.
Molecular consequence: missense variant.
Genome position (GRCh38, 1-based): chr7:141,596,606, G>T. VCF-style: chr7-141596606-G-T. GRCh37 (hg19) VCF-style: chr7-141296406-G-T.
Other names: p.K62N:AAG>AAT; c.186G>T, p.Lys62Asn (NM_001364948.3); short protein forms K62N.
Identifiers: ClinVar variation 214074 (VCV000214074.6), dbSNP rs199778260, ClinGen allele CA320572.

ClinVar aggregate classification (germline): Conflicting classifications of pathogenicity. Review status: criteria provided, conflicting classifications (1 of 4 stars). 3 submissions from 3 submitters: Uncertain significance (1); Likely benign (2). Last evaluated 2026-01-07.

Conditions:
Sengers syndrome. Also called: Cardiomyopathy and cataract; MITOCHONDRIAL DNA DEPLETION SYNDROME 10 (CARDIOMYOPATHIC TYPE). Identifiers: Orphanet 1369, MedGen C1859317, MONDO:0008922, OMIM 212350.
Cataract 38. Also called: Cataract, autosomal recessive congenital 5; Cataract 38, autosomal recessive. Identifiers: Orphanet 91492, MedGen C3553494, MONDO:0013859, OMIM 614691.
Inborn genetic diseases. Identifiers: MedGen C0950123, MeSH D030342.

Allele frequency attached by ClinVar (database versions not stated): gnomAD 0.00001 and 0.00004; TOPMed 0.00003; gnomAD exomes 0.00006 and 0.00019; 1000 Genomes Project 0.00020; ExAC 0.00022; 1000 Genomes Project 30x 0.00031.
gnomAD v4.1: 99 of 1,614,034 alleles (0.0061%); highest among the groups gnomAD compares: South Asian, 0.097%; 1 homozygote.

Submissions (3):

Labcorp Genetics (formerly Invitae), Labcorp
Classification: Likely benign for Sengers syndrome; Cataract 38. Last evaluated: 2026-01-07. Review status: criteria provided, single submitter. Criteria: Invitae Variant Classification Sherloc (09022015). Collection method: clinical testing. Allele origin: germline.

Ambry Genetics
Classification: Likely benign for Inborn genetic diseases. Last evaluated: 2022-02-03. Review status: criteria provided, single submitter. Criteria: Ambry Variant Classification Scheme 2023. Collection method: clinical testing. Allele origin: germline.

GeneDx
Classification: Uncertain significance. Last evaluated: 2013-12-03. Review status: criteria provided, single submitter. Criteria: GeneDx Variant Classification (06012015). Collection method: clinical testing. Allele origin: germline. Affected: yes.
Comment: Mutations in the AGK gene are associated with the autosomal recessive disorder Sengers syndrome or myopathic mtDNA depletion syndrome 10. (AAG>AAT): c.186 G>T in exon 4 of the AGK gene (NM_018238.3) A variant of unknown significance has been identified in the AGK gene. The K62N missense substitution has not been published as a mutation, nor has it been reported as a benign polymorphism to our knowledge. The amino acid change is non-conservative in that a positively charged Lysine residue is replaced by an uncharged Asparagine residue. This change occurs at a highly conserved position in the AGK protein. In-silico analyses predict that K62N is damaging to the AGK protein. Based on the currently available information, it is unclear whether K62N is a disease-causing mutation or a rare benign variant. The variant is found in DEPLTN-MITOP panel(s).